The following is an entry in ClinVar:

ClinVar aggregate classification (germline): Uncertain significance (1 of 4 stars; one submission).

Submission:

Ambry Genetics
Classification: Uncertain significance. Last evaluated: 2020-08-14. Review status: criteria provided, single submitter. Criteria: Ambry Variant Classification Scheme 2023. Collection method: clinical testing. Allele origin: germline.
Comment: The p.N181T variant (also known as c.542A>C), located in coding exon 5 of the RECQL gene, results from an A to C substitution at nucleotide position 542. The asparagine at codon 181 is replaced by threonine, an amino acid with similar properties. This amino acid position is not well conserved in available vertebrate species. In addition, this alteration is predicted to be tolerated by in silico analysis. Since supporting evidence is limited at this time, the clinical significance of this alteration remains unclear.

NM_002907.4(RECQL):c.542A>C (p.Asn181Thr)

Gene: RECQL (RecQ like helicase; minus strand). Cytogenetic location: 12p12.1.
Variant type: single nucleotide variant.
Coding change: c.542A>C on transcript NM_002907.4 (MANE Select); coding-DNA position 542, A replaced by C.
Protein change: p.Asn181Thr; replaces asparagine 181 with threonine.
Molecular consequence: missense variant.
Genome position (GRCh38, 1-based): chr12:21,483,534, T>G on the plus strand (A>C on the coding strand, the complement: RECQL is on the minus strand). VCF-style: chr12-21483534-T-G. GRCh37 (hg19) VCF-style: chr12-21636468-T-G.
Other names: c.542A>C, p.Asn181Thr (NM_032941.3); short protein forms N181T.
Identifiers: ClinVar variation 1747482 (VCV001747482.2), dbSNP rs961953195, ClinGen allele CA384127766.